The following is an entry in ClinVar:

ClinVar aggregate classification (germline): Uncertain significance (1 of 4 stars; one submission).

Allele frequency attached by ClinVar (database versions not stated): gnomAD exomes below 0.00001.
gnomAD v4.1: 1 of 1,613,844 alleles (0.000062%); highest among the groups gnomAD compares: Non-Finnish European, 0.000085%; no homozygotes.

Submission:

Women's Health and Genetics/Laboratory Corporation of America, LabCorp
Classification: Uncertain significance. Last evaluated: 2023-03-23. Review status: criteria provided, single submitter. Criteria: LabCorp Variant Classification Summary - May 2015. Collection method: clinical testing. Allele origin: germline.
Comment: Variant summary: EIF2C2 c.1742A>G (p.Gln581Arg) results in a conservative amino acid change in the encoded protein sequence. Four of five in-silico tools predict a benign effect of the variant on protein function. The variant was absent in 250510 control chromosomes. The available data on variant occurrences in the general population are insufficient to allow any conclusion about variant significance. To our knowledge, no occurrence of c.1742A>G in individuals affected with Lessel-Kreienkamp Syndrome and no experimental evidence demonstrating its impact on protein function have been reported. No submitters have provided clinical-significance assessments for this variant to ClinVar after 2014. Based on the evidence outlined above, the variant was classified as uncertain significance.

NM_012154.5(AGO2):c.1742A>G (p.Gln581Arg)

Gene: AGO2 (argonaute RISC catalytic component 2; minus strand). Cytogenetic location: 8q24.3.
Variant type: single nucleotide variant.
Coding change: c.1742A>G on transcript NM_012154.5 (MANE Select); coding-DNA position 1742, A replaced by G.
Protein change: p.Gln581Arg; replaces glutamine 581 with arginine.
Molecular consequence: missense variant.
Genome position (GRCh38, 1-based): chr8:140,547,474, T>C on the plus strand (A>G on the coding strand, the complement: AGO2 is on the minus strand). VCF-style: chr8-140547474-T-C. GRCh37 (hg19) VCF-style: chr8-141557573-T-C.
Other names: c.1742A>G, p.Gln581Arg (NM_001164623.3); short protein forms Q581R.
Identifiers: ClinVar variation 2501196 (VCV002501196.1), dbSNP rs2540704605, ClinGen allele CA372317858.
Genomic context (GRCh38, chr8:140,547,474, plus strand): 5'-AAGCGTCCCACTGTGCCCTGGTCCGCAGGCGGAGGTAAAGGGGCCGGGCCTCACCTGCCC[T>C]GGGGCAGCAGGATGTTGTTCACGCCTCCCAGCTTGACGTTGATCTTCAGGCAGAGGTTGG-3'
Protein context (NP_036286.2, residues 571-591): LGGVNNILLP[Gln581Arg]GRPPVFQQPV